The following is an entry in ClinVar:

ClinVar aggregate classification (germline): Uncertain significance (1 of 4 stars; one submission).

Conditions:
Glanzmann thrombasthenia. Also called: PLATELET GLYCOPROTEIN IIb-IIIa DEFICIENCY; BLEEDING DISORDER, PLATELET-TYPE, 2; THROMBASTHENIA OF GLANZMANN AND NAEGELI; Glanzmann's thrombasthenia; Thrombasthenia. Identifiers: Orphanet 849, MedGen C0040015, MONDO:0100326.

Submission:

Labcorp Genetics (formerly Invitae), Labcorp
Classification: Uncertain significance for Glanzmann thrombasthenia. Last evaluated: 2024-04-25. Review status: criteria provided, single submitter. Criteria: Invitae Variant Classification Sherloc (09022015). Collection method: clinical testing. Allele origin: germline.
Comment: This sequence change replaces aspartic acid, which is acidic and polar, with glutamic acid, which is acidic and polar, at codon 637 of the ITGA2B protein (p.Asp637Glu). This variant is not present in population databases (gnomAD no frequency). This missense change has been observed in individual(s) with Glanzmann's thrombasthenia (Invitae). Advanced modeling of protein sequence and biophysical properties (such as structural, functional, and spatial information, amino acid conservation, physicochemical variation, residue mobility, and thermodynamic stability) performed at Invitae indicates that this missense variant is not expected to disrupt ITGA2B protein function with a negative predictive value of 80%. Algorithms developed to predict the effect of sequence changes on RNA splicing suggest that this variant may disrupt the consensus splice site. In summary, the available evidence is currently insufficient to determine the role of this variant in disease. Therefore, it has been classified as a Variant of Uncertain Significance.

NM_000419.5(ITGA2B):c.1911C>G (p.Asp637Glu)

Gene: ITGA2B (integrin subunit alpha 2b; minus strand). Cytogenetic location: 17q21.31.
Variant type: single nucleotide variant.
Coding change: c.1911C>G on transcript NM_000419.5 (MANE Select); coding-DNA position 1911, C replaced by G.
Protein change: p.Asp637Glu; replaces aspartic acid 637 with glutamic acid.
Molecular consequence: missense variant.
Genome position (GRCh38, 1-based): chr17:44,378,678, G>C on the plus strand (C>G on the coding strand, the complement: ITGA2B is on the minus strand). VCF-style: chr17-44378678-G-C. GRCh37 (hg19) VCF-style: chr17-42456046-G-C.
Other names: short protein forms D637E.
Identifiers: ClinVar variation 3650777 (VCV003650777.2).
Genomic context (GRCh38, chr17:44,378,678, plus strand): 5'-CGGGCAGAATGGGAGGCCTCCTCACACGCTGGCAGTGAGCTGAAGCTGGGGCACACATAC[G>C]TCATCTTCCCCACAGTCCAGGACGATTCGTGTCTAGAGGGGCACATTGGGGTGTGCGGGT-3'
Protein context (NP_000410.2, residues 627-647): TRIVLDCGED[Asp637Glu]VCVPQLQLTA